The following is an entry in ClinVar:

ClinVar aggregate classification (germline): Uncertain significance (1 of 4 stars; one submission).

Conditions:
Long QT syndrome 10 (LQT10). Identifiers: Orphanet 101016, Orphanet 768, MedGen C2678484, MONDO:0012737, OMIM 611819.

Allele frequency attached by ClinVar (database versions not stated): gnomAD exomes below 0.00001; TOPMed 0.00001.

Submission:

Labcorp Genetics (formerly Invitae), Labcorp
Classification: Uncertain significance for Long QT syndrome 10. Last evaluated: 2023-04-10. Review status: criteria provided, single submitter. Criteria: Invitae Variant Classification Sherloc (09022015). Collection method: clinical testing. Allele origin: germline.
Comment: This variant has not been reported in the literature in individuals affected with SCN4B-related conditions. In summary, the available evidence is currently insufficient to determine the role of this variant in disease. Therefore, it has been classified as a Variant of Uncertain Significance. An algorithm developed to predict the effect of missense changes on protein structure and function (PolyPhen-2) suggests that this variant is likely to be tolerated. This variant is not present in population databases (gnomAD no frequency). This sequence change replaces methionine, which is neutral and non-polar, with leucine, which is neutral and non-polar, at codon 111 of the SCN4B protein (p.Met111Leu).

NM_174934.4(SCN4B):c.331A>T (p.Met111Leu)

Genes: SCN4B (sodium voltage-gated channel beta subunit 4; minus strand), LOC126861356 (BRD4-independent group 4 enhancer GRCh37_chr11:118014519-118015718; plus strand). Cytogenetic location: 11q23.3.
Variant type: single nucleotide variant.
Coding change: c.331A>T on transcript NM_174934.4 (MANE Select); coding-DNA position 331, A replaced by T.
Protein change: p.Met111Leu; replaces methionine 111 with leucine.
Molecular consequence: missense variant. On other transcripts: initiator codon variant (1), intron variant (1).
Genome position (GRCh38, 1-based): chr11:118,143,965, T>A on the plus strand (A>T on the coding strand, the complement: SCN4B is on the minus strand). VCF-style: chr11-118143965-T-A. GRCh37 (hg19) VCF-style: chr11-118014680-T-A.
Other names: c.1A>T, p.Met1Leu (NM_001142349.2); c.62-2629A>T (NM_001142348.2); short protein forms M1L, M111L.
Identifiers: ClinVar variation 2973747 (VCV002973747.3), dbSNP rs1211586609, ClinGen allele CA382778257.